The following is an entry in ClinVar:

ClinVar aggregate classification (germline): Conflicting classifications of pathogenicity. Review status: criteria provided, conflicting classifications (1 of 4 stars). 10 submissions from 10 submitters: Uncertain significance (1); Benign (5); Likely benign (2). 2 of the submissions do not count toward it. Last evaluated 2026-07-01.

Conditions:
Maturity-onset diabetes of the young (MODY). Also called: Maturity onset diabetes mellitus in young. Identifiers: Orphanet 552, MedGen C0342276, MONDO:0018911, HP:0004904.
Type 2 diabetes mellitus. Also called: Type II diabetes mellitus. Identifiers: MedGen C0011860, MeSH D003924, MONDO:0005148, OMIM 125853, HP:0005978.

Allele frequency attached by ClinVar (database versions not stated): gnomAD 0.00021 and 0.00070; TOPMed 0.00036; 1000 Genomes Project 30x 0.00547; 1000 Genomes Project 0.00639.
gnomAD v4.1: 1,483 of 1,614,196 alleles (0.092%); highest among the groups gnomAD compares: South Asian, 1.2%; 20 homozygotes.

Submissions (10):

CeGaT Center for Human Genetics Tuebingen
Classification: Benign. Last evaluated: 2026-07-01. Review status: criteria provided, single submitter. Criteria: CeGaT Center For Human Genetics Tuebingen Variant Classification Criteria Version 2. Collection method: clinical testing. Allele origin: germline. Affected: yes. Observed: 1 variant allele.
Comment: HNF4A: BP4, BS1, BS2

Labcorp Genetics (formerly Invitae), Labcorp
Classification: Benign. Last evaluated: 2026-01-08. Review status: criteria provided, single submitter. Criteria: Invitae Variant Classification Sherloc (09022015). Collection method: clinical testing. Allele origin: germline.

Blueprint Genetics
Classification: Likely benign. Last evaluated: 2024-09-24. Review status: criteria provided, single submitter. Criteria: ACMG Guidelines, 2015. Collection method: clinical testing. Allele origin: germline.

Ambry Genetics
Classification: Benign for Maturity-onset diabetes of the young. Last evaluated: 2021-04-27. Review status: criteria provided, single submitter. Criteria: Ambry Variant Classification Scheme 2023. Collection method: clinical testing. Allele origin: germline.

Genetic Services Laboratory, University of Chicago
Classification: Benign. Last evaluated: 2019-05-02. Review status: criteria provided, single submitter. Criteria: ACMG Guidelines, 2015. Collection method: clinical testing. Allele origin: germline. Affected: no.

Athena Diagnostics
Classification: Benign. Last evaluated: 2016-11-14. Review status: criteria provided, single submitter. Criteria: Athena Diagnostics Criteria. Collection method: clinical testing. Allele origin: germline.

Broad Center for Mendelian Genomics, Broad Institute of MIT and Harvard
Classification: Likely benign for Type 2 diabetes mellitus. Review status: criteria provided, single submitter. Criteria: ACMG Guidelines, 2015. Collection method: research. Allele origin: germline. Inheritance: Autosomal dominant inheritance. Affected: yes.
Comment: The heterozygous c.427-4G>A variant in HNF4A has been identified in 3 Philippino siblings from 1 family with maturity onset diabetes of the young (PMID: 15281001), but has also been identified in >1% of South Asian chromosomes and 4 homozygotes by ExAC. Computational prediction tools suggest that this variant may impact splicing, though this information is not predictive enough to determine pathogenicity. In summary, although additional studies are required to fully establish its clinical significance, this variant meets criteria to be classified as likely benign for autosomal dominant diabetes mellitus type 2.

Clinical Genomics, Uppaluri K&H Personalized Medicine Clinic
Classification: Uncertain significance for Maturity-onset diabetes of the young. Review status: criteria provided, single submitter. Criteria: K&H Uppaluri Personalized Medicine Clinic Variant Classification & Assertion Criteria. Collection method: research. Allele origin: somatic.
Comment: This mutation is associated with poor insulin secretion in response to hyperglycemia. Associated with MODY1. Patients initially respond well to sulfonylureas but eventually become insulin dependent. However, no sufficient evidence is found to ascertain the role of rs146751799 variant in Diabetes Mellitus yet.

Genome Diagnostics Laboratory, University Medical Center Utrecht
Classification: Benign. Review status: no assertion criteria provided. Collection method: clinical testing. Allele origin: germline. Affected: yes. Study: VKGL Data-share Consensus. Not counted in ClinVar's aggregate classification.

Laboratory of Diagnostic Genome Analysis, Leiden University Medical Center (LUMC)
Classification: Likely benign. Review status: no assertion criteria provided. Collection method: clinical testing. Allele origin: germline. Affected: yes. Study: VKGL Data-share Consensus. Not counted in ClinVar's aggregate classification.

Literature cited by the submitters: PubMed 26059258 (cited by Athena Diagnostics); PubMed 23227446 (cited by Athena Diagnostics); PubMed 23268925 (cited by Athena Diagnostics); PubMed 10447526 (cited by Athena Diagnostics); PubMed 15281001 (cited by Athena Diagnostics and Broad Center for Mendelian Genomics, Broad Institute of MIT and Harvard); PubMed 35118593 (cited by Clinical Genomics, Uppaluri K&H Personalized Medicine Clinic); PubMed 35052457 (cited by Clinical Genomics, Uppaluri K&H Personalized Medicine Clinic).

NM_175914.5(HNF4A):c.427-4G>A

Gene: HNF4A (hepatocyte nuclear factor 4 alpha; plus strand). Cytogenetic location: 20q13.12.
Variant type: single nucleotide variant.
Coding change: c.427-4G>A on transcript NM_175914.5 (MANE Select); 4 bases into the intron before coding-DNA position 427, G replaced by A.
Molecular consequence: intron variant.
Genome position (GRCh38, 1-based): chr20:44,414,503, G>A. VCF-style: chr20-44414503-G-A. GRCh37 (hg19) VCF-style: chr20-43043143-G-A.
Other names: c.418-4G>A (NM_001287182.2, NM_001287183.2, NM_001287184.2); c.427-4G>A (NM_001030003.3, NM_001030004.3); c.472-4G>A (NM_001258355.2); c.493-4G>A (NM_178849.3, NM_000457.6, NM_178850.3).
Identifiers: ClinVar variation 447517 (VCV000447517.22), dbSNP rs146751799, ClinGen allele CA9870269.